The following is an entry in ClinVar:

NM_001267550.2(TTN):c.3838del (p.Ala1280fs)

Genes: TTN (titin; minus strand), LOC101927055 (uncharacterized LOC101927055; plus strand). Cytogenetic location: 2q31.2.
Variant type: Deletion.
Coding change: c.3838del on transcript NM_001267550.2 (MANE Select); coding-DNA position 3838, one base deleted (G; older notation c.3838delG).
Protein change: p.Ala1280fs; shifts the reading frame from alanine 1280.
Molecular consequence: frameshift variant.
Genome position (GRCh38, 1-based): chr2:178,779,354, C deleted on the plus strand (G on the coding strand, the reverse complement: TTN is on the minus strand); the first of 2 consecutive C bases (chr2:178,779,354-178,779,355); deleting either gives the same sequence. VCF-style (leftmost placement, unchanged base first): chr2-178779353-GC-G. GRCh37 (hg19) VCF-style: chr2-179644080-GC-G.
Other names: c.3838del, p.Ala1280fs (NM_001256850.1, NM_133378.4, NM_133379.5); c.3700del, p.Ala1234fs (NM_003319.4, NM_133432.3, NM_133437.4); short protein forms A1234fs, A1280fs.
Identifiers: ClinVar variation 2949983 (VCV002949983.3), dbSNP rs1490722251, ClinGen allele CA761319714.
Genomic context (GRCh38, chr2:178,779,353, plus strand): 5'-TAATTCTTGATTCTTGAATCAAATCCTGATTCAACAGCTTCAGATTCAGAAATGTCAACT[GC>G]CATCTTTTCTTCTCCATCTTCTTCAAGAAGTTCTTCTAATGTAGTCTTTATTATTCTATA-3'

ClinVar aggregate classification (germline): Likely pathogenic (1 of 4 stars; one submission).

Conditions:
Dilated cardiomyopathy 1G (CMD1G). Identifiers: Orphanet 154, MedGen C1858763, MONDO:0011400, OMIM 604145.
Autosomal recessive limb-girdle muscular dystrophy type 2J (LGMDR10). Also called: Limb-girdle muscular dystrophy, type 2J; MUSCULAR DYSTROPHY, LIMB-GIRDLE, AUTOSOMAL RECESSIVE 10. Identifiers: Orphanet 140922, MedGen C1837342, MONDO:0012127, OMIM 608807.

Submission:

Labcorp Genetics (formerly Invitae), Labcorp
Classification: Likely pathogenic for Dilated cardiomyopathy 1G; Autosomal recessive limb-girdle muscular dystrophy type 2J. Last evaluated: 2024-10-18. Review status: criteria provided, single submitter. Criteria: Invitae Variant Classification Sherloc (09022015). Collection method: clinical testing. Allele origin: germline.
Comment: This sequence change creates a premature translational stop signal (p.Ala1280Glnfs*117) in the TTN gene. While this is not anticipated to result in nonsense mediated decay, it is expected to create a truncated TTN protein. This variant is not present in population databases (gnomAD no frequency). This variant has not been observed in the literature in individuals with autosomal recessive TTN-related conditions. This variant has been reported in individual(s) with autosomal dominant dilated cardiomyopathy (internal data); however, the role of the variant in this condition is currently unclear. This variant is located in the Z band of TTN (PMID: 25589632). Truncating variants in this region have been reported in individuals affected with autosomal recessive centronuclear myopathy (PMID: 33449170, internal data). Truncating variants in this region have also been identified in individuals affected with autosomal dominant dilated cardiomyopathy and/or cardio-related conditions (PMID: 27869827, 32964742, internal data). In summary, the currently available evidence indicates that the variant is pathogenic, but additional data are needed to prove that conclusively. Therefore, this variant has been classified as Likely Pathogenic.

Literature cited by the submitters: PubMed 25589632; PubMed 33449170; PubMed 27869827; PubMed 32964742.